The following is an entry in ClinVar:

ClinVar aggregate classification (germline): Conflicting classifications of pathogenicity. Review status: criteria provided, conflicting classifications (1 of 4 stars). 8 submissions from 8 submitters: Uncertain significance (1); Likely benign (5). 2 of the submissions do not count toward it. Last evaluated 2026-01-26.

Conditions:
Mitochondrial trifunctional protein deficiency. Identifiers: Orphanet 746, MedGen C1969443, MONDO:0012172.

Allele frequency attached by ClinVar (database versions not stated): 1000 Genomes Project 30x 0.00047; 1000 Genomes Project 0.00060; TOPMed 0.00082; ExAC 0.00085; gnomAD 0.00086 and 0.00090; gnomAD exomes 0.00090 and 0.00127; ESP Exome Variant Server 0.00123.
gnomAD v4.1: 1,962 of 1,581,606 alleles (0.12%); highest among the groups gnomAD compares: Middle Eastern, 0.33%; 1 homozygote.

Submissions (8):

Labcorp Genetics (formerly Invitae), Labcorp
Classification: Likely benign for Mitochondrial trifunctional protein deficiency. Last evaluated: 2026-01-26. Review status: criteria provided, single submitter. Criteria: Invitae Variant Classification Sherloc (09022015). Collection method: clinical testing. Allele origin: germline.

CeGaT Center for Human Genetics Tuebingen
Classification: Likely benign. Last evaluated: 2025-07-01. Review status: criteria provided, single submitter. Criteria: CeGaT Center For Human Genetics Tuebingen Variant Classification Criteria Version 2. Collection method: clinical testing. Allele origin: germline. Affected: yes. Observed: 5 variant alleles.
Comment: HADHB: BP4

Mayo Clinic Laboratories, Mayo Clinic
Classification: Likely benign. Last evaluated: 2024-12-09. Review status: criteria provided, single submitter. Criteria: ACMG Guidelines, 2015. Collection method: clinical testing. Allele origin: germline. Observed: 5 variant alleles.
Comment: BS1, BP4, BP7

Blueprint Genetics
Classification: Likely benign. Last evaluated: 2024-11-15. Review status: criteria provided, single submitter. Criteria: ACMG Guidelines, 2015. Collection method: clinical testing. Allele origin: germline.

GeneDx
Classification: Likely benign. Last evaluated: 2021-06-17. Review status: criteria provided, single submitter. Criteria: GeneDx Variant Classification Process June 2021. Collection method: clinical testing. Allele origin: germline. Affected: yes.

Illumina Laboratory Services, Illumina
Classification: Uncertain significance for Mitochondrial trifunctional protein deficiency 1. Last evaluated: 2018-01-13. Review status: criteria provided, single submitter. Criteria: ICSL Variant Classification Criteria 13 December 2019. Collection method: clinical testing. Allele origin: germline.

Clinical Genetics DNA and cytogenetics Diagnostics Lab, Erasmus MC, Erasmus Medical Center
Classification: Likely benign. Review status: no assertion criteria provided. Collection method: clinical testing. Allele origin: germline. Affected: yes. Study: VKGL Data-share Consensus. Not counted in ClinVar's aggregate classification.

Joint Genome Diagnostic Labs from Nijmegen and Maastricht, Radboudumc and MUMC+
Classification: Likely benign. Review status: no assertion criteria provided. Collection method: clinical testing. Allele origin: germline. Affected: yes. Study: VKGL Data-share Consensus. Not counted in ClinVar's aggregate classification.

NM_000183.3(HADHB):c.1206C>T (p.Tyr402=)

Gene: HADHB (hydroxyacyl-CoA dehydrogenase trifunctional multienzyme complex subunit beta; plus strand). Cytogenetic location: 2p23.3.
Variant type: single nucleotide variant.
Coding change: c.1206C>T on transcript NM_000183.3 (MANE Select); coding-DNA position 1206, C replaced by T.
Protein change: p.Tyr402=; no amino-acid change (tyrosine 402 retained).
Molecular consequence: synonymous variant.
Genome position (GRCh38, 1-based): chr2:26,284,939, C>T. VCF-style: chr2-26284939-C-T. GRCh37 (hg19) VCF-style: chr2-26507807-C-T.
Other names: p.Tyr402=; c.1161C>T, p.Tyr387= (NM_001281512.2); c.1140C>T, p.Tyr380= (NM_001281513.2).
Identifiers: ClinVar variation 703153 (VCV000703153.48), dbSNP rs146538551, ClinGen allele CA1560485.